The following is an entry in ClinVar:

ClinVar aggregate classification (germline): Uncertain significance. Review status: criteria provided, multiple submitters, no conflicts (2 of 4 stars). 2 submissions from 2 submitters: Uncertain significance (2). Last evaluated 2025-09-15.

Conditions:
LRP5-related disorder. Also called: LRP5-related condition.

Allele frequency attached by ClinVar (database versions not stated): gnomAD exomes 0.00001; gnomAD 0.00003 and 0.00019; TOPMed 0.00021.
gnomAD v4.1: 51 of 1,613,074 alleles (0.0032%); highest among the groups gnomAD compares: East Asian, 0.0022%; 1 homozygote.

Submissions (2):

PreventionGenetics, part of Exact Sciences
Classification: Uncertain significance for LRP5-related condition. Last evaluated: 2025-09-15. Review status: criteria provided, single submitter. Criteria: ACMG Guidelines, 2015. Collection method: clinical testing. Allele origin: germline.
Comment: The LRP5 c.2362C>T variant is predicted to result in the amino acid substitution p.Arg788Trp. This variant has been reported in the heterozygous state in an individual with early-onset osteoporosis (Caetano da Silva et al. 2021. PubMed ID: 33939331) and in an individual with familial exudative vitreoretinopathy (FEVR: Qu et al. 2022. PubMed ID: 35876299). This variant is reported in 0.0050% of alleles in individuals of East Asian descent in gnomAD. At this time, the clinical significance of this variant is uncertain due to the absence of conclusive functional and genetic evidence.

Labcorp Genetics (formerly Invitae), Labcorp
Classification: Uncertain significance. Last evaluated: 2024-10-08. Review status: criteria provided, single submitter. Criteria: Invitae Variant Classification Sherloc (09022015). Collection method: clinical testing. Allele origin: germline.
Comment: This sequence change replaces arginine, which is basic and polar, with tryptophan, which is neutral and slightly polar, at codon 788 of the LRP5 protein (p.Arg788Trp). This variant is present in population databases (no rsID available, gnomAD 0.005%). This missense change has been observed in individuals with autosomal dominant osteoporosis and/or familial exudative vitreoretinopathy (PMID: 33939331, 35876299). ClinVar contains an entry for this variant (Variation ID: 1445711). Invitae Evidence Modeling of protein sequence and biophysical properties (such as structural, functional, and spatial information, amino acid conservation, physicochemical variation, residue mobility, and thermodynamic stability) has been performed for this missense variant. However, the output from this modeling did not meet the statistical confidence thresholds required to predict the impact of this variant on LRP5 protein function. In summary, the available evidence is currently insufficient to determine the role of this variant in disease. Therefore, it has been classified as a Variant of Uncertain Significance.

Literature cited by the submitters: PubMed 33939331 (cited by Labcorp Genetics (formerly Invitae), Labcorp); PubMed 35876299 (cited by Labcorp Genetics (formerly Invitae), Labcorp).

NM_002335.4(LRP5):c.2362C>T (p.Arg788Trp)

Gene: LRP5 (LDL receptor related protein 5; plus strand). Cytogenetic location: 11q13.2.
Variant type: single nucleotide variant.
Coding change: c.2362C>T on transcript NM_002335.4 (MANE Select); coding-DNA position 2362, C replaced by T.
Protein change: p.Arg788Trp; replaces arginine 788 with tryptophan.
Molecular consequence: missense variant.
Genome position (GRCh38, 1-based): chr11:68,411,479, C>T. VCF-style: chr11-68411479-C-T. GRCh37 (hg19) VCF-style: chr11-68178947-C-T.
Other names: c.619C>T, p.Arg207Trp (NM_001291902.2); c.2362C>T (NM_002335.3); short protein forms R207W, R788W.
Identifiers: ClinVar variation 1445711 (VCV001445711.7), dbSNP rs1000296899, ClinGen allele CA224273589.